The following is an entry in ClinVar:

NM_006412.4(AGPAT2):c.*517C>T

Gene: AGPAT2 (1-acylglycerol-3-phosphate O-acyltransferase 2; minus strand). Cytogenetic location: 9q34.3.
Variant type: single nucleotide variant.
Coding change: c.*517C>T on transcript NM_006412.4 (MANE Select); 517 bases downstream of the stop codon, C replaced by T.
Molecular consequence: 3 prime UTR variant.
Genome position (GRCh38, 1-based): chr9:136,673,235, G>A on the plus strand (C>T on the coding strand, the complement: AGPAT2 is on the minus strand). VCF-style: chr9-136673235-G-A. GRCh37 (hg19) VCF-style: chr9-139567687-G-A.
Other names: c.*517C>T (NM_001012727.2).
Identifiers: ClinVar variation 365901 (VCV000365901.6), dbSNP rs10320, ClinGen allele CA10633280.

ClinVar aggregate classification (germline): Benign. Review status: criteria provided, multiple submitters, no conflicts (2 of 4 stars). 2 submissions from 2 submitters: Benign (2). Last evaluated 2018-01-12.

Conditions:
Congenital generalized lipodystrophy type 1 (CGL1). Also called: BRUNZELL SYNDROME, AGPAT2-RELATED; Berardinelli-Seip Congenital Lipodystrophy Type 1. Identifiers: Orphanet 528, Orphanet 696189, MedGen C1720862, MONDO:0012071, OMIM 608594.

Allele frequency attached by ClinVar (database versions not stated): gnomAD exomes 0.18868; gnomAD 0.22742 and 0.23704; TOPMed 0.24104; 1000 Genomes Project 30x 0.33026; 1000 Genomes Project 0.33407.
gnomAD v4.1: 36,271 of 152,966 alleles (24%); highest among the groups gnomAD compares: East Asian, 59%; 4,853 homozygotes.

Submissions (2):

Illumina Laboratory Services, Illumina
Classification: Benign for Congenital generalized lipodystrophy type 1. Last evaluated: 2018-01-12. Review status: criteria provided, single submitter. Criteria: ICSL Variant Classification Criteria 13 December 2019. Collection method: clinical testing. Allele origin: germline.
Comment: This variant was observed in the ICSL laboratory as part of a predisposition screen in an ostensibly healthy population. It had not been previously curated by ICSL or reported in the Human Gene Mutation Database (HGMD: prior to June 1st, 2018), and was therefore a candidate for classification through an automated scoring system. Utilizing variant allele frequency, disease prevalence and penetrance estimates, and inheritance mode, an automated score was calculated to assess if this variant is too frequent to cause the disease. Based on the score and internal cut-off values, a variant classified as benign is not then subjected to further curation. The score for this variant resulted in a classification of benign for this disease.

Breakthrough Genomics
Classification: Benign. Review status: criteria provided, single submitter. Criteria: ACMG Guidelines, 2015. Collection method: not provided. Allele origin: germline. Inheritance: Autosomal recessive inheritance. Affected: yes.